The following is an entry in ClinVar:

ClinVar aggregate classification (germline): Likely benign. Review status: reviewed by expert panel (3 of 4 stars). 3 submissions from 3 submitters: Likely benign (1). 2 of the submissions do not count toward it. Last evaluated 2024-08-28.

Conditions:
Hereditary thrombocytopenia and hematological cancer predisposition syndrome associated with RUNX1. Also called: RUNX1 Familial Platelet Disorder with Associated Myeloid Malignancies; Familial Platelet Disorder with Propensity to Acute Myelogenous Leukemia; Familial thrombocytopenia with propensity to acute myelogenous leukemia; PLATELET DISORDER, ASPIRIN-LIKE. Identifiers: Orphanet 71290, MedGen C1832388, MeSH C563324, MONDO:0100083, OMIM 601399.
Hereditary thrombocytopenia and hematologic cancer predisposition syndrome. Identifiers: Orphanet 71290, MedGen CN281654, MONDO:0011071.
Inborn genetic diseases. Identifiers: MedGen C0950123, MeSH D030342.

Submissions (3):

ClinGen Myeloid Malignancy Variant Curation Expert Panel
Classification: Likely benign for Hereditary thrombocytopenia and hematologic cancer predisposition syndrome. Last evaluated: 2024-08-28. Review status: reviewed by expert panel. Criteria: ClinGen MyeloMalig ACMG Specifications v2. Collection method: curation. Allele origin: germline. Inheritance: Autosomal dominant inheritance.
Comment: NM_001754.5(RUNX1):c.522T>C (p.Thr174=) is a synonymous variant which has a SpliceAI score ≤ 0.20 (0.0) (BP4). Evolutionary conservation algorithms predict the site as not being conserved (PhyloP score ≤ 2.0, -1.92) (BP7). This variant is completely absent from all population databases with at least 20x coverage for RUNX1 (PM2_supporting). In summary, this variant meets criteria to be classified as likely benign. ACMG/AMP criteria applied, as specified by the Myeloid Malignancy Variant Curation Expert Panel for RUNX1: BP4, BP7, PM2_supporting.

Ambry Genetics
Classification: Likely benign for Inborn genetic diseases. Last evaluated: 2025-10-13. Review status: criteria provided, single submitter. Criteria: Ambry Variant Classification Scheme 2023. Collection method: clinical testing. Allele origin: germline. Not counted in ClinVar's aggregate classification.

Labcorp Genetics (formerly Invitae), Labcorp
Classification: Likely benign for Hereditary thrombocytopenia and hematological cancer predisposition syndrome associated with RUNX1. Last evaluated: 2023-08-17. Review status: criteria provided, single submitter. Criteria: Invitae Variant Classification Sherloc (09022015). Collection method: clinical testing. Allele origin: germline. Not counted in ClinVar's aggregate classification.

NM_001754.5(RUNX1):c.522T>C (p.Thr174=)

Genes: RUNX1 (RUNX family transcription factor 1; minus strand), RUNX1-AS1 (RUNX1 antisense RNA 1; plus strand). Cytogenetic location: 21q22.12.
Variant type: single nucleotide variant.
Coding change: c.522T>C on transcript NM_001754.5 (MANE Select); coding-DNA position 522, T replaced by C.
Protein change: p.Thr174=; no amino-acid change (threonine 174 retained).
Molecular consequence: synonymous variant.
Genome position (GRCh38, 1-based): chr21:34,859,565, A>G on the plus strand (T>C on the coding strand, the complement: RUNX1 is on the minus strand). VCF-style: chr21-34859565-A-G. GRCh37 (hg19) VCF-style: chr21-36231862-A-G.
Other names: NM_001754.5(RUNX1):c.522T>C; p.Thr174=; c.441T>C, p.Thr147= (NM_001001890.3, NM_001122607.2).
Identifiers: ClinVar variation 2895963 (VCV002895963.5), dbSNP rs2517274705, ClinGen allele CA512319128.